The following is an entry in ClinVar:

NM_000256.3(MYBPC3):c.490G>A (p.Gly164Ser)

Gene: MYBPC3 (myosin binding protein C3; minus strand). Cytogenetic location: 11p11.2.
Variant type: single nucleotide variant.
Coding change: c.490G>A on transcript NM_000256.3 (MANE Select); coding-DNA position 490, G replaced by A.
Protein change: p.Gly164Ser; replaces glycine 164 with serine.
Molecular consequence: missense variant.
Genome position (GRCh38, 1-based): chr11:47,350,029, C>T on the plus strand (G>A on the coding strand, the complement: MYBPC3 is on the minus strand). VCF-style: chr11-47350029-C-T. GRCh37 (hg19) VCF-style: chr11-47371580-C-T.
Other names: short protein forms G164S.
Identifiers: ClinVar variation 4757386 (VCV004757386.1).

ClinVar aggregate classification (germline): Uncertain significance (1 of 4 stars; one submission).

Conditions:
Cardiomyopathy (CMYO). Also called: Cardiomyopathies. Identifiers: Orphanet 167848, MedGen C0878544, MONDO:0004994, HP:0001638. Inheritance: Various modes of inheritance.

Submission:

Color Diagnostics, LLC DBA Color Health
Classification: Uncertain significance for Cardiomyopathy. Last evaluated: 2025-07-07. Review status: criteria provided, single submitter. Criteria: ACMG Guidelines, 2015. Collection method: clinical testing. Allele origin: germline.
Comment: This missense variant replaces glycine with serine at codon 164 of the MYBPC3 protein. Computational prediction suggests that this variant may not impact protein structure and function. To our knowledge, functional studies have not been reported for this variant. This variant has not been reported in individuals affected with MYBPC3-related disorders in the literature. This variant has not been identified in the general population by the Genome Aggregation Database (gnomAD). The available evidence is insufficient to determine the role of this variant in disease conclusively. Therefore, this variant is classified as a Variant of Uncertain Significance.